The following is an entry in ClinVar:

ClinVar aggregate classification (germline): Uncertain significance. Review status: criteria provided, multiple submitters, no conflicts (2 of 4 stars). 4 submissions from 4 submitters: Uncertain significance (3). 1 of the submissions does not count toward it. Last evaluated 2025-03-20.

Conditions:
Hereditary cancer-predisposing syndrome. Also called: Hereditary Cancer Syndrome; Hereditary neoplastic syndrome; Neoplastic Syndromes, Hereditary; Tumor predisposition. Identifiers: Orphanet 140162, MedGen C0027672, MeSH D009386, MONDO:0015356.
Bloom syndrome (BLM). Also called: Bloom-Torre-Machacek syndrome. Identifiers: Orphanet 125, MedGen C0005859, MONDO:0008876, OMIM 210900.

Allele frequency attached by ClinVar (database versions not stated): ExAC 0.00001; TOPMed 0.00003.
gnomAD v4.1: 39 of 1,613,992 alleles (0.0024%); highest among the groups gnomAD compares: Non-Finnish European, 0.0033%; no homozygotes.

Submissions (4):

GeneDx
Classification: Uncertain significance. Last evaluated: 2025-03-20. Review status: criteria provided, single submitter. Criteria: GeneDx Variant Classification Process June 2021. Collection method: clinical testing. Allele origin: germline. Affected: yes.
Comment: Not observed at significant frequency in large population cohorts (gnomAD); In silico analysis indicates that this missense variant does not alter protein structure/function; Has not been previously published as pathogenic or benign to our knowledge

Labcorp Genetics (formerly Invitae), Labcorp
Classification: Uncertain significance for Bloom syndrome. Last evaluated: 2024-07-08. Review status: criteria provided, single submitter. Criteria: Invitae Variant Classification Sherloc (09022015). Collection method: clinical testing. Allele origin: germline.
Comment: This sequence change replaces lysine, which is basic and polar, with arginine, which is basic and polar, at codon 839 of the BLM protein (p.Lys839Arg). This variant is present in population databases (rs756815062, gnomAD 0.002%). This variant has not been reported in the literature in individuals affected with BLM-related conditions. ClinVar contains an entry for this variant (Variation ID: 454107). Advanced modeling of protein sequence and biophysical properties (such as structural, functional, and spatial information, amino acid conservation, physicochemical variation, residue mobility, and thermodynamic stability) performed at Invitae indicates that this missense variant is not expected to disrupt BLM protein function with a negative predictive value of 80%. In summary, the available evidence is currently insufficient to determine the role of this variant in disease. Therefore, it has been classified as a Variant of Uncertain Significance.

Ambry Genetics
Classification: Uncertain significance for Hereditary cancer-predisposing syndrome. Last evaluated: 2022-09-30. Review status: criteria provided, single submitter. Criteria: Ambry Variant Classification Scheme 2023. Collection method: clinical testing. Allele origin: germline.
Comment: The p.K839R variant (also known as c.2516A>G), located in coding exon 11 of the BLM gene, results from an A to G substitution at nucleotide position 2516. The lysine at codon 839 is replaced by arginine, an amino acid with highly similar properties. This amino acid position is well conserved in available vertebrate species. In addition, this alteration is predicted to be tolerated by in silico analysis. Since supporting evidence is limited at this time, the clinical significance of this alteration remains unclear.

Natera, Inc.
Classification: Uncertain significance for Bloom syndrome. Last evaluated: 2020-11-12. Review status: no assertion criteria provided. Collection method: clinical testing. Allele origin: germline. Not counted in ClinVar's aggregate classification.

NM_000057.4(BLM):c.2516A>G (p.Lys839Arg)

Gene: BLM (BLM RecQ like helicase; plus strand). Cytogenetic location: 15q26.1.
Variant type: single nucleotide variant.
Coding change: c.2516A>G on transcript NM_000057.4 (MANE Select); coding-DNA position 2516, A replaced by G.
Protein change: p.Lys839Arg; replaces lysine 839 with arginine.
Molecular consequence: missense variant.
Genome position (GRCh38, 1-based): chr15:90,769,547, A>G. VCF-style: chr15-90769547-A-G. GRCh37 (hg19) VCF-style: chr15-91312777-A-G.
Other names: c.2516A>G (NM_000057.2); c.2516A>G, p.Lys839Arg (NM_001287246.2, NM_001287247.2); c.1391A>G, p.Lys464Arg (NM_001287248.2); short protein forms K839R, K464R.
Identifiers: ClinVar variation 454107 (VCV000454107.13), dbSNP rs756815062, ClinGen allele CA7738796.
Genomic context (GRCh38, chr15:90,769,547, plus strand): 5'-AGAAGTTTCCTTCTGTTCCGGTGATGGCTCTTACGGCCACAGCTAATCCCAGGGTACAGA[A>G]GGACATCCTGACTCAGCTGAAGATTCTCAGACCTCAGGTGTAAGTTGTTGCACGTCACGT-3'
Protein context (NP_000048.1, residues 829-849): LTATANPRVQ[Lys839Arg]DILTQLKILR